The following is an entry in ClinVar:

ClinVar aggregate classification (germline): Conflicting classifications of pathogenicity. Review status: criteria provided, conflicting classifications (1 of 4 stars). 5 submissions from 5 submitters: Uncertain significance (1); Benign (3); Likely benign (1). Last evaluated 2026-02-02.

Allele frequency attached by ClinVar (database versions not stated): ESP Exome Variant Server 0.00268; 1000 Genomes Project 0.00280; gnomAD 0.00280; 1000 Genomes Project 30x 0.00312; TOPMed 0.00369.
gnomAD v4.1: 847 of 1,613,854 alleles (0.052%); highest among the groups gnomAD compares: African/African-American, 1%; 9 homozygotes.

Submissions (5):

Labcorp Genetics (formerly Invitae), Labcorp
Classification: Benign. Last evaluated: 2026-02-02. Review status: criteria provided, single submitter. Criteria: Invitae Variant Classification Sherloc (09022015). Collection method: clinical testing. Allele origin: germline.

Ambry Genetics
Classification: Uncertain significance. Last evaluated: 2025-08-28. Review status: criteria provided, single submitter. Criteria: Ambry Variant Classification Scheme 2023. Collection method: clinical testing. Allele origin: germline.

Blueprint Genetics
Classification: Likely benign. Last evaluated: 2024-11-12. Review status: criteria provided, single submitter. Criteria: ACMG Guidelines, 2015. Collection method: clinical testing. Allele origin: germline.

GeneDx
Classification: Benign. Last evaluated: 2020-04-17. Review status: criteria provided, single submitter. Criteria: GeneDx Variant Classification Process June 2021. Collection method: clinical testing. Allele origin: germline. Affected: yes.

Women's Health and Genetics/Laboratory Corporation of America, LabCorp
Classification: Benign. Last evaluated: 2019-11-25. Review status: criteria provided, single submitter. Criteria: LabCorp Variant Classification Summary - May 2015. Collection method: clinical testing. Allele origin: germline.
Comment: Variant summary: A2ML1 c.2032G>T (p.Val678Leu) results in a conservative amino acid change in the encoded protein sequence. Five of five in-silico tools predict a benign effect of the variant on protein function. The variant allele was found at a frequency of 0.00071 in 249516 control chromosomes, predominantly at a frequency of 0.0099 within the African or African-American subpopulation in the gnomAD database, including 1 homozygotes. The observed variant frequency within African or African-American control individuals in the gnomAD database is approximately 2475 fold of the estimated maximal expected allele frequency for a pathogenic variant in A2ML1 causing Noonan Syndrome phenotype (4e-06), strongly suggesting that the variant is a benign polymorphism found primarily in populations of African or African-American origin. A ClinVar submission (evaluation after 2014) cites variant as likely benign. Based on the evidence outlined above, the variant was classified as benign.

NM_144670.6(A2ML1):c.2032G>T (p.Val678Leu)

Gene: A2ML1 (alpha-2-macroglobulin like 1; plus strand). Cytogenetic location: 12p13.31.
Variant type: single nucleotide variant.
Coding change: c.2032G>T on transcript NM_144670.6 (MANE Select); coding-DNA position 2032, G replaced by T.
Protein change: p.Val678Leu; replaces valine 678 with leucine.
Molecular consequence: missense variant.
Genome position (GRCh38, 1-based): chr12:8,849,672, G>T. VCF-style: chr12-8849672-G-T. GRCh37 (hg19) VCF-style: chr12-9002268-G-T.
Other names: c.559G>T, p.Val187Leu (NM_001282424.3); c.2032G>T (NM_144670.3); short protein forms V678L, V187L.
Identifiers: ClinVar variation 561635 (VCV000561635.16), dbSNP rs148198269, ClinGen allele CA6435884.